The following is an entry in ClinVar:

ClinVar aggregate classification (germline): Conflicting classifications of pathogenicity. Review status: criteria provided, conflicting classifications (1 of 4 stars). 3 submissions from 3 submitters: Uncertain significance (1); Likely benign (2). Last evaluated 2025-02-21.

Conditions:
Hereditary cancer-predisposing syndrome. Also called: Neoplastic Syndromes, Hereditary; Tumor predisposition; Hereditary Cancer Syndrome; Hereditary neoplastic syndrome. Identifiers: Orphanet 140162, MedGen C0027672, MeSH D009386, MONDO:0015356.
Hereditary breast ovarian cancer syndrome. Also called: Hereditary breast and/or ovarian cancer syndrome; Hereditary breast and ovarian cancer syndrome; Breast and ovarian cancer; Hereditary breast and ovarian cancer; BRCA1- and BRCA2-Associated Hereditary Breast and Ovarian Cancer; Hereditary breast and ovarian cancer syndrome (HBOC). Identifiers: Orphanet 145, MedGen C0677776, MeSH D061325, MONDO:0003582. Disease mechanism: loss of function.

Submissions (3):

German Consortium for Hereditary Breast and Ovarian Cancer, University Hospital Cologne
Classification: Likely benign for Hereditary breast ovarian cancer syndrome. Last evaluated: 2025-02-21. Review status: criteria provided, single submitter. Criteria: ClinGen BRCA2 V1.1.0. Collection method: curation. Allele origin: germline.
Comment: According to the ClinGen ENIGMA BRCA2 v1.1.0 criteria we chose these criteria: PP3 (supporting pathogenic): inside a (potentially) clinically important functional domain and predicted impact via protein change (BayesDel no-AF score ≥0.30) BayesDel noAF 0.3652. , BS3 (strong benign): Hu 2024 (PMID: 38417439): HDR function normal Sahu (PMID: 39779848): benign in SGE-Assay; Based on evidence we decided that this criterion can not be selected: PM2 (supporting pathogenic): 1x in gnomAD v2

Labcorp Genetics (formerly Invitae), Labcorp
Classification: Uncertain significance for Hereditary breast ovarian cancer syndrome. Last evaluated: 2023-12-29. Review status: criteria provided, single submitter. Criteria: Invitae Variant Classification Sherloc (09022015). Collection method: clinical testing. Allele origin: germline.
Comment: This sequence change replaces methionine, which is neutral and non-polar, with lysine, which is basic and polar, at codon 2634 of the BRCA2 protein (p.Met2634Lys). This variant is present in population databases (no rsID available, gnomAD 0.006%). This variant has not been reported in the literature in individuals affected with BRCA2-related conditions. ClinVar contains an entry for this variant (Variation ID: 1761146). Advanced modeling of protein sequence and biophysical properties (such as structural, functional, and spatial information, amino acid conservation, physicochemical variation, residue mobility, and thermodynamic stability) has been performed at Invitae for this missense variant, however the output from this modeling did not meet the statistical confidence thresholds required to predict the impact of this variant on BRCA2 protein function. In summary, the available evidence is currently insufficient to determine the role of this variant in disease. Therefore, it has been classified as a Variant of Uncertain Significance.

Ambry Genetics
Classification: Likely benign for Hereditary cancer-predisposing syndrome. Last evaluated: 2022-01-05. Review status: criteria provided, single submitter. Criteria: Ambry Variant Classification Scheme 2023. Collection method: clinical testing. Allele origin: germline.

NM_000059.4(BRCA2):c.7901T>A (p.Met2634Lys)

Gene: BRCA2 (BRCA2 DNA repair associated; plus strand). Cytogenetic location: 13q13.1.
Variant type: single nucleotide variant.
Coding change: c.7901T>A on transcript NM_000059.4 (MANE Select); coding-DNA position 7901, T replaced by A.
Protein change: p.Met2634Lys; replaces methionine 2634 with lysine.
Molecular consequence: missense variant.
Genome position (GRCh38, 1-based): chr13:32,362,618, T>A. VCF-style: chr13-32362618-T-A. GRCh37 (hg19) VCF-style: chr13-32936755-T-A.
Other names: c.7805T>A, p.Met2602Lys (NM_001406719.1); c.7901T>A, p.Met2634Lys (NM_001406720.1); c.2969T>A, p.Met990Lys (NM_001406721.1); c.1484T>A, p.Met495Lys (NM_001406722.1); short protein forms M2634K, M495K, M990K, M2602K.
Identifiers: ClinVar variation 1761146 (VCV001761146.6), dbSNP rs786202102, ClinGen allele CA387747146.